The following is an entry in ClinVar:

NM_001377.3(DYNC2H1):c.2647G>A (p.Glu883Lys)

Gene: DYNC2H1 (dynein cytoplasmic 2 heavy chain 1; plus strand). Cytogenetic location: 11q22.3.
Variant type: single nucleotide variant.
Coding change: c.2647G>A on transcript NM_001377.3 (MANE Select); coding-DNA position 2647, G replaced by A.
Protein change: p.Glu883Lys; replaces glutamic acid 883 with lysine.
Molecular consequence: missense variant.
Genome position (GRCh38, 1-based): chr11:103,143,340, G>A. VCF-style: chr11-103143340-G-A. GRCh37 (hg19) VCF-style: chr11-103014069-G-A.
Other names: c.2647G>A, p.Glu883Lys (NM_001080463.2); short protein forms E883K.
Identifiers: ClinVar variation 2053862 (VCV002053862.4), dbSNP rs2496974687, ClinGen allele CA382263753.

ClinVar aggregate classification (germline): Uncertain significance (1 of 4 stars; one submission).

Conditions:
Jeune thoracic dystrophy. Also called: Jeune syndrome; Infantile thoracic dystrophy; Thoracic pelvic phalangeal dystrophy; Jeune's syndrome; Chondroectodermal dysplasia-like syndrome; Short-rib thoracic dysplasia. Identifiers: Orphanet 474, MedGen C0265275, MONDO:0018770.

Submission:

Labcorp Genetics (formerly Invitae), Labcorp
Classification: Uncertain significance for Jeune thoracic dystrophy. Last evaluated: 2025-04-14. Review status: criteria provided, single submitter. Criteria: Invitae Variant Classification Sherloc (09022015). Collection method: clinical testing. Allele origin: germline.
Comment: This sequence change replaces glutamic acid, which is acidic and polar, with lysine, which is basic and polar, at codon 883 of the DYNC2H1 protein (p.Glu883Lys). This variant is not present in population databases (gnomAD no frequency). This variant has not been reported in the literature in individuals affected with DYNC2H1-related conditions. ClinVar contains an entry for this variant (Variation ID: 2053862). Invitae Evidence Modeling of protein sequence and biophysical properties (such as structural, functional, and spatial information, amino acid conservation, physicochemical variation, residue mobility, and thermodynamic stability) indicates that this missense variant is expected to disrupt DYNC2H1 protein function with a positive predictive value of 95%. In summary, the available evidence is currently insufficient to determine the role of this variant in disease. Therefore, it has been classified as a Variant of Uncertain Significance.